The following is an entry in ClinVar:

ClinVar aggregate classification (germline): Likely pathogenic. Review status: criteria provided, multiple submitters, no conflicts (2 of 4 stars). 3 submissions from 3 submitters: Likely pathogenic (3). Last evaluated 2026-05-15.

Conditions:
Dilated cardiomyopathy 1G (CMD1G). Identifiers: Orphanet 154, MedGen C1858763, MONDO:0011400, OMIM 604145.
Autosomal recessive limb-girdle muscular dystrophy type 2J (LGMDR10). Also called: Limb-girdle muscular dystrophy, type 2J; MUSCULAR DYSTROPHY, LIMB-GIRDLE, AUTOSOMAL RECESSIVE 10. Identifiers: Orphanet 140922, MedGen C1837342, MONDO:0012127, OMIM 608807.
Cardiovascular phenotype. Identifiers: MedGen CN230736.
Primary familial dilated cardiomyopathy (FDC). Also called: Hypokinetic dilated cardiomyopathy, familial; Familial dilated cardiomyopathy. Identifiers: Orphanet 217607, MedGen C0340427, MONDO:0016333.

Submissions (3):

Ambry Genetics
Classification: Likely pathogenic for Cardiovascular phenotype. Last evaluated: 2026-05-15. Review status: criteria provided, single submitter. Criteria: Ambry Variant Classification Scheme 2023. Collection method: clinical testing. Allele origin: germline.
Comment: The c.33798_33799delAG variant, located in coding exon 131 of the TTN gene, results from a deletion of two nucleotides at nucleotide positions 33798 to 33799, causing a translational frameshift with a predicted alternate stop codon (p.R11266Sfs*6). This exon is located in the A-band region of the N2-B isoform of the titin protein and is constitutively expressed in TTN transcripts (percent spliced in or PSI 100%). This variant is considered to be rare based on population cohorts in the Genome Aggregation Database (gnomAD). This variant is expected to result in loss of function by premature protein truncation or nonsense-mediated mRNA decay. While truncating variants in TTN are present in 1-3% of the general population, truncating variants in the A-band are the most common cause of dilated cardiomyopathy (Herman DS et al. N. Engl. J. Med., 2012 Feb;366:619-28; Roberts AM et al. Sci Transl Med, 2015 Jan;7:270ra6). TTN truncating variants encoded in constitutive exons (PSI >90%) have been found to be significantly associated with DCM regardless of their position in titin (Schafer S et al. Nat. Genet., 2017 01;49:46-53; Akhtar MM et al. Circ Heart Fail, 2020 Oct;13:e006832; Massier M et al. Clin Genet, 2025 Jan). Based on the majority of available evidence to date, this variant is likely to be pathogenic.

Labcorp Genetics (formerly Invitae), Labcorp
Classification: Likely pathogenic for Dilated cardiomyopathy 1G; Autosomal recessive limb-girdle muscular dystrophy type 2J. Last evaluated: 2025-10-07. Review status: criteria provided, single submitter. Criteria: Invitae Variant Classification Sherloc (09022015). Collection method: clinical testing. Allele origin: germline.
Comment: This sequence change creates a premature translational stop signal (p.Arg20331Serfs*6) in the TTN gene. While this is not anticipated to result in nonsense mediated decay, it is expected to create a truncated TTN protein. This variant is not present in population databases (gnomAD no frequency). This premature translational stop signal has been observed in individual(s) with dilated cardiomyopathy (internal data). ClinVar contains an entry for this variant (Variation ID: 1698599). This variant is located in the A band of TTN (PMID: 25589632). Truncating variants in this region are significantly overrepresented in patients affected with dilated cardiomyopathy (PMID: 25589632). Truncating variants in this region have also been reported in individuals affected with autosomal recessive centronuclear myopathy (PMID: 23975875). In summary, the currently available evidence indicates that the variant is pathogenic, but additional data are needed to prove that conclusively. Therefore, this variant has been classified as Likely Pathogenic.

Women's Health and Genetics/Laboratory Corporation of America, LabCorp
Classification: Likely pathogenic for Primary familial dilated cardiomyopathy. Last evaluated: 2022-06-20. Review status: criteria provided, single submitter. Criteria: LabCorp Variant Classification Summary - May 2015. Collection method: clinical testing. Allele origin: germline.
Comment: Variant summary: TTN c.53289_53290delAG (p.Arg17763SerfsX6) results in a premature termination codon, predicted to cause a truncation of the encoded protein or absence of the protein due to nonsense mediated decay, which are commonly known mechanisms for disease. Truncations downstream of this position have been classified as pathogenic by our laboratory. The variant was absent in 247686 control chromosomes. To our knowledge, no occurrence of c.53289_53290delAG in individuals affected with Dilated Cardiomyopathy and no experimental evidence demonstrating its impact on protein function have been reported. No clinical diagnostic laboratories have submitted clinical-significance assessments for this variant to ClinVar after 2014. Based on the evidence outlined above, the variant was classified as likely pathogenic.

Literature cited by the submitters: PubMed 25589632 (cited by Labcorp Genetics (formerly Invitae), Labcorp); PubMed 23975875 (cited by Labcorp Genetics (formerly Invitae), Labcorp).

NM_001267550.2(TTN):c.60993_60994del (p.Arg20331fs)

Genes: TTN (titin; minus strand), TTN-AS1 (TTN antisense RNA 1; plus strand). Cytogenetic location: 2q31.2.
Variant type: Microsatellite.
Coding change: c.60993_60994del on transcript NM_001267550.2 (MANE Select); coding-DNA positions 60993 to 60994, 2 bases deleted (AG; older notation c.60993_60994delAG).
Protein change: p.Arg20331fs; shifts the reading frame from arginine 20331.
Molecular consequence: frameshift variant.
Genome position (GRCh38, 1-based): chr2:178,590,731-178,590,732, CT deleted on the plus strand (AG on the coding strand, the reverse complement: TTN is on the minus strand); deleting any 2 consecutive bases within chr2:178,590,731-178,590,734 gives the same sequence; the c. name uses the placement nearest the transcript's 3' end. VCF-style (leftmost placement, unchanged base first): chr2-178590730-ACT-A. GRCh37 (hg19) VCF-style: chr2-179455457-ACT-A.
Other names: c.56070_56071del, p.Arg18690fs (NM_001256850.1); c.33798_33799del, p.Arg11266fs (NM_003319.4); c.53289_53290del, p.Arg17763fs (NM_133378.4); c.34173_34174del, p.Arg11391fs (NM_133432.3); c.34374_34375del, p.Arg11458fs (NM_133437.4); c.53289_53290delAG (NM_133378.4); c.33798_33799delAG (NM_003319.4); short protein forms R11266fs, R11391fs, R11458fs, R17763fs, R18690fs, R20331fs.
Identifiers: ClinVar variation 1698599 (VCV001698599.5), dbSNP rs2154184570, ClinGen allele CA2580614505.